The following is an entry in ClinVar:

ClinVar aggregate classification (germline): Conflicting classifications of pathogenicity. Review status: criteria provided, conflicting classifications (1 of 4 stars). 5 submissions from 4 submitters: Uncertain significance (3); Likely benign (2). Last evaluated 2025-01-16.

Conditions:
Inborn genetic diseases. Identifiers: MedGen C0950123, MeSH D030342.
Familial hyperthyroidism due to mutations in TSH receptor. Also called: HYPERTHYROIDISM, CONGENITAL NONAUTOIMMUNE; HYPERTHYROIDISM, NONAUTOIMMUNE, AUTOSOMAL DOMINANT; TOXIC THYROID HYPERPLASIA, AUTOSOMAL DOMINANT. Identifiers: Orphanet 424, MedGen C1836706, MONDO:0012203, OMIM 609152.
Hypothyroidism due to TSH receptor mutations. Also called: Hypothyroidism, congenital, nongoitrous, 1; HYPOTHYROIDISM DUE TO UNRESPONSIVENESS TO THYROTROPIN; HYPOTHYROIDISM, CONGENITAL, DUE TO TSH RESISTANCE; HYPOTHYROIDISM, NONAUTOIMMUNE; THYROID-STIMULATING HORMONE, RESISTANCE TO; TSH RESISTANCE. Identifiers: Orphanet 90673, MedGen C3493776, MONDO:0010142, OMIM 275200.

Allele frequency attached by ClinVar (database versions not stated): TOPMed 0.00003; gnomAD 0.00004 and 0.00007; gnomAD exomes 0.00007 and 0.00009; ESP Exome Variant Server 0.00008; ExAC 0.00011.
gnomAD v4.1: 107 of 1,613,798 alleles (0.0066%); highest among the groups gnomAD compares: South Asian, 0.029%; no homozygotes.

Submissions (5):

Ambry Genetics
Classification: Likely benign for Inborn genetic diseases. Last evaluated: 2025-01-16. Review status: criteria provided, single submitter. Criteria: Ambry Variant Classification Scheme 2023. Collection method: clinical testing. Allele origin: germline.

Blueprint Genetics
Classification: Uncertain significance. Last evaluated: 2023-12-15. Review status: criteria provided, single submitter. Criteria: ACMG Guidelines, 2015. Collection method: clinical testing. Allele origin: germline.

Women's Health and Genetics/Laboratory Corporation of America, LabCorp
Classification: Uncertain significance. Last evaluated: 2023-10-26. Review status: criteria provided, single submitter. Criteria: LabCorp Variant Classification Summary - May 2015. Collection method: clinical testing. Allele origin: germline.
Comment: Variant summary: TSHR c.2120G>A (p.Arg707Gln) results in a conservative amino acid change in the encoded protein sequence. Three of five in-silico tools predict a benign effect of the variant on protein function. The variant allele was found at a frequency of 8.8e-05 in 251258 control chromosomes. To our knowledge, no occurrence of c.2120G>A in individuals affected with Hypothyroidism Due To TSH Receptor Mutations and no experimental evidence demonstrating its impact on protein function have been reported. One submitter has cited two conflicting clinical-significance assessments for this variant to ClinVar after 2014, classifying the variant as both uncertain significance and likely benign. Based on the evidence outlined above, the variant was classified as uncertain significance.

Illumina Laboratory Services, Illumina
Classification: Likely benign for Familial hyperthyroidism due to mutations in TSH receptor. Last evaluated: 2018-01-13. Review status: criteria provided, single submitter. Criteria: ICSL Variant Classification Criteria 13 December 2019. Collection method: clinical testing. Allele origin: germline.
Comment: This variant was observed in the ICSL laboratory as part of a predisposition screen in an ostensibly healthy population. It had not been previously curated by ICSL or reported in the Human Gene Mutation Database (HGMD: prior to June 1st, 2018), and was therefore a candidate for classification through an automated scoring system. Utilizing variant allele frequency, disease prevalence and penetrance estimates, and inheritance mode, an automated score was calculated to assess if this variant is too frequent to cause the disease. Based on the score and internal cut-off values, a variant classified as likely benign is not then subjected to further curation. The score for this variant resulted in a classification of likely benign for this disease.

Illumina Laboratory Services, Illumina
Classification: Uncertain significance for Hypothyroidism due to TSH receptor mutations. Last evaluated: 2018-01-13. Review status: criteria provided, single submitter. Criteria: ICSL Variant Classification Criteria 13 December 2019. Collection method: clinical testing. Allele origin: germline.

NM_000369.5(TSHR):c.2120G>A (p.Arg707Gln)

Genes: TSHR (thyroid stimulating hormone receptor; plus strand), TSHR-AS1 (TSHR antisense RNA 1; minus strand). Cytogenetic location: 14q31.1.
Variant type: single nucleotide variant.
Coding change: c.2120G>A on transcript NM_000369.5 (MANE Select); coding-DNA position 2120, G replaced by A.
Protein change: p.Arg707Gln; replaces arginine 707 with glutamine.
Molecular consequence: missense variant.
Genome position (GRCh38, 1-based): chr14:81,144,178, G>A. VCF-style: chr14-81144178-G-A. GRCh37 (hg19) VCF-style: chr14-81610522-G-A.
Other names: short protein forms R707Q.
Identifiers: ClinVar variation 314698 (VCV000314698.8), dbSNP rs368452281, ClinGen allele CA7294588.